The following is an entry in ClinVar:

ClinVar aggregate classification (germline): Uncertain significance (1 of 4 stars; one submission).

Conditions:
STRC-related disorder. Also called: STRC-related condition.

Submission:

PreventionGenetics, part of Exact Sciences
Classification: Uncertain significance for STRC-related condition. Last evaluated: 2025-01-16. Review status: criteria provided, single submitter. Criteria: ACMG Guidelines, 2015. Collection method: clinical testing. Allele origin: germline.
Comment: The STRC c.3020G>A variant is predicted to result in the amino acid substitution p.Arg1007His. To our knowledge, this variant has not been reported in the literature or in a large population database (gnomAD), indicating this variant is rare. At this time, the clinical significance of this variant is uncertain due to the absence of conclusive functional and genetic evidence.

NM_153700.2(STRC):c.3020G>A (p.Arg1007His)

Gene: STRC (stereocilin; minus strand). Cytogenetic location: 15q15.3.
Variant type: single nucleotide variant.
Coding change: c.3020G>A on transcript NM_153700.2 (MANE Select); coding-DNA position 3020, G replaced by A.
Protein change: p.Arg1007His; replaces arginine 1007 with histidine.
Molecular consequence: missense variant.
Genome position (GRCh38, 1-based): chr15:43,611,921, C>T on the plus strand (G>A on the coding strand, the complement: STRC is on the minus strand). VCF-style: chr15-43611921-C-T. GRCh37 (hg19) VCF-style: chr15-43904119-C-T.
Other names: short protein forms R1007H.
Identifiers: ClinVar variation 4984821 (VCV004984821.1).